The following is an entry in ClinVar:

ClinVar aggregate classification (germline): Uncertain significance. Review status: criteria provided, multiple submitters, no conflicts (2 of 4 stars). 5 submissions from 5 submitters: Uncertain significance (5). Last evaluated 2026-03-17.

Conditions:
Progressive familial heart block type IB (PFHB1B). Identifiers: Orphanet 871, MedGen C1970298, MONDO:0011474, OMIM 604559.
Erythrokeratodermia variabilis et progressiva 6. Identifiers: MedGen C5193144, MONDO:0032801, OMIM 618531.
Cardiovascular phenotype. Identifiers: MedGen CN230736.

gnomAD v4.1: 9 of 1,613,910 alleles (0.00056%); highest among the groups gnomAD compares: Admixed American, 0.0017%; no homozygotes.

Submissions (5):

Women's Health and Genetics/Laboratory Corporation of America, LabCorp
Classification: Uncertain significance. Last evaluated: 2026-03-17. Review status: criteria provided, single submitter. Criteria: LabCorp Variant Classification Summary - May 2015. Collection method: clinical testing. Allele origin: germline.
Comment: Variant summary: TRPM4 c.1212C>A (p.Asn404Lys) results in a non-conservative amino acid change in the encoded protein sequence. Algorithms developed to predict the effect of missense changes on protein structure and function are either unavailable or do not agree on the potential impact of this missense change. The variant allele was found at a frequency of 8e-06 in 251368 control chromosomes. The available data on variant occurrences in the general population are insufficient to allow any conclusion about variant significance. c.1212C>A has been observed in the presumed heterozygous state in at least 1 individual(s) affected with clinical features of Progressive Familial Heart Block Type 1B (example Ochoa_2024), without strong evidence for causality. These report(s) do not provide unequivocal conclusions about association of the variant with TRPM4-related conditions. To our knowledge, no experimental evidence demonstrating an impact on protein function has been reported. The following publications have been ascertained in the context of this evaluation (PMID: 39001760, 38100498). ClinVar contains an entry for this variant (Variation ID: 1320916). Based on the evidence outlined above, the variant was classified as uncertain significance.

Ambry Genetics
Classification: Uncertain significance for Cardiovascular phenotype. Last evaluated: 2024-10-12. Review status: criteria provided, single submitter. Criteria: Ambry Variant Classification Scheme 2023. Collection method: clinical testing. Allele origin: germline.

Labcorp Genetics (formerly Invitae), Labcorp
Classification: Uncertain significance for Progressive familial heart block type IB. Last evaluated: 2024-04-16. Review status: criteria provided, single submitter. Criteria: Invitae Variant Classification Sherloc (09022015). Collection method: clinical testing. Allele origin: germline.
Comment: This sequence change replaces asparagine, which is neutral and polar, with lysine, which is basic and polar, at codon 404 of the TRPM4 protein (p.Asn404Lys). This variant is present in population databases (rs755499876, gnomAD 0.003%). This variant has not been reported in the literature in individuals affected with TRPM4-related conditions. ClinVar contains an entry for this variant (Variation ID: 1320916). An algorithm developed to predict the effect of missense changes on protein structure and function (PolyPhen-2) suggests that this variant is likely to be disruptive. In summary, the available evidence is currently insufficient to determine the role of this variant in disease. Therefore, it has been classified as a Variant of Uncertain Significance.

Fulgent Genetics
Classification: Uncertain significance for Progressive familial heart block type IB; Erythrokeratodermia variabilis et progressiva 6. Last evaluated: 2021-07-27. Review status: criteria provided, single submitter. Criteria: ACMG Guidelines, 2015. Collection method: clinical testing. Allele origin: unknown.

GeneDx
Classification: Uncertain significance. Last evaluated: 2020-01-23. Review status: criteria provided, single submitter. Criteria: GeneDx Variant Classification Process June 2021. Collection method: clinical testing. Allele origin: germline. Affected: yes.
Comment: Has not been previously published as pathogenic or benign to our knowledge; Not observed at a significant frequency in large population cohorts (Lek et al., 2016); In silico analysis, which includes protein predictors and evolutionary conservation, supports a deleterious effect

Literature cited by the submitters: PubMed 39001760 (cited by Women's Health and Genetics/Laboratory Corporation of America, LabCorp); PubMed 38100498 (cited by Women's Health and Genetics/Laboratory Corporation of America, LabCorp).

NM_017636.4(TRPM4):c.1212C>A (p.Asn404Lys)

Gene: TRPM4 (transient receptor potential cation channel subfamily M member 4; plus strand). Cytogenetic location: 19q13.33.
Variant type: single nucleotide variant.
Coding change: c.1212C>A on transcript NM_017636.4 (MANE Select); coding-DNA position 1212, C replaced by A.
Protein change: p.Asn404Lys; replaces asparagine 404 with lysine.
Molecular consequence: missense variant. On other transcripts: 5 prime UTR variant (1), intron variant (1).
Genome position (GRCh38, 1-based): chr19:49,181,410, C>A. VCF-style: chr19-49181410-C-A. GRCh37 (hg19) VCF-style: chr19-49684667-C-A.
Other names: c.1212C>A, p.Asn404Lys (NM_001195227.2); c.867C>A, p.Asn289Lys (NM_001321281.2); c.-342C>A (NM_001321282.2); c.690C>A, p.Asn230Lys (NM_001321283.2); c.202-1168C>A (NM_001321285.2); short protein forms N230K, N289K, N404K.
Identifiers: ClinVar variation 1320916 (VCV001320916.11), dbSNP rs755499876, ClinGen allele CA9569122.
Genomic context (GRCh38, chr19:49,181,410, plus strand): 5'-CTGTGGGAGCTCGGAGGCCTCAGCCTACCTGGATGAGCTGCGTTTGGCTGTGGCTTGGAA[C>A]CGCGTGGACATTGCCCAGAGTGAACTCTTTCGGGGGGACATCCAATGGCGGGTGAGGGGT-3'
Protein context (NP_060106.2, residues 394-414): LDELRLAVAW[Asn404Lys]RVDIAQSELF